The following is an entry in ClinVar:

NM_002381.5(MATN3):c.199G>A (p.Glu67Lys)

Gene: MATN3 (matrilin 3; minus strand). Cytogenetic location: 2p24.1.
Variant type: single nucleotide variant.
Coding change: c.199G>A on transcript NM_002381.5 (MANE Select); coding-DNA position 199, G replaced by A.
Protein change: p.Glu67Lys; replaces glutamic acid 67 with lysine.
Molecular consequence: missense variant.
Genome position (GRCh38, 1-based): chr2:20,012,433, C>T on the plus strand (G>A on the coding strand, the complement: MATN3 is on the minus strand). VCF-style: chr2-20012433-C-T. GRCh37 (hg19) VCF-style: chr2-20212194-C-T.
Other names: c.199G>A (NM_002381.4); short protein forms E67K.
Identifiers: ClinVar variation 1383151 (VCV001383151.6), dbSNP rs954062045, ClinGen allele CA43407934.
Genomic context (GRCh38, chr2:20,012,433, plus strand): 5'-CGATGCTCACGCGTCCCTCCCGCCGCCCGCCTGTACCTGCACCGCGGGCGCGGCCAGGCT[C>T]GCTGGTCCCGGAAGCGGGCGCGCCGTCGGGAGCCGCAGGAGAGGGGCGGCGTCCAGGGCT-3'
Protein context (NP_002372.1, residues 57-77): PDGAPASGTS[Glu67Lys]PGRARGAGVC

ClinVar aggregate classification (germline): Uncertain significance. Review status: criteria provided, multiple submitters, no conflicts (2 of 4 stars). 2 submissions from 2 submitters: Uncertain significance (2). Last evaluated 2023-10-07.

Conditions:
Inborn genetic diseases. Identifiers: MedGen C0950123, MeSH D030342.

Allele frequency attached by ClinVar (database versions not stated): gnomAD 0.00003; TOPMed 0.00005; gnomAD exomes 0.00008.
gnomAD v4.1: 90 of 1,229,314 alleles (0.0073%); highest among the groups gnomAD compares: Non-Finnish European, 0.0088%; no homozygotes.

Submissions (2):

Labcorp Genetics (formerly Invitae), Labcorp
Classification: Uncertain significance. Last evaluated: 2023-10-07. Review status: criteria provided, single submitter. Criteria: Invitae Variant Classification Sherloc (09022015). Collection method: clinical testing. Allele origin: germline.
Comment: This sequence change replaces glutamic acid, which is acidic and polar, with lysine, which is basic and polar, at codon 67 of the MATN3 protein (p.Glu67Lys). The frequency data for this variant in the population databases is considered unreliable, as metrics indicate poor data quality at this position in the gnomAD database. This variant has not been reported in the literature in individuals affected with MATN3-related conditions. ClinVar contains an entry for this variant (Variation ID: 1383151). An algorithm developed to predict the effect of missense changes on protein structure and function (PolyPhen-2) suggests that this variant¬†is likely to be tolerated. In summary, the available evidence is currently insufficient to determine the role of this variant in disease. Therefore, it has been classified as a Variant of Uncertain Significance.

Ambry Genetics
Classification: Uncertain significance for Inborn genetic diseases. Last evaluated: 2023-03-21. Review status: criteria provided, single submitter. Criteria: Ambry Variant Classification Scheme 2023. Collection method: clinical testing. Allele origin: germline.